The following is an entry in ClinVar:

NM_020706.2(SCAF4):c.2179_2180delinsTT (p.Pro727Leu)

Gene: SCAF4 (SR-related CTD associated factor 4; minus strand). Cytogenetic location: 21q22.11.
Variant type: Indel.
Coding change: c.2179_2180delinsTT on transcript NM_020706.2 (MANE Select); coding-DNA positions 2179 to 2180, CC replaced by TT.
Protein change: p.Pro727Leu; replaces proline 727 with leucine.
Molecular consequence: missense variant.
Genome position (GRCh38, 1-based): chr21:31,685,597-31,685,598, GG replaced by AA on the plus strand (CC replaced by TT on the coding strand, the reverse complement: SCAF4 is on the minus strand). VCF-style: chr21-31685597-GG-AA. GRCh37 (hg19) VCF-style: chr21-33057910-GG-AA.
Other names: c.2134_2135delinsTT, p.Pro712Leu (NM_001145444.1); c.2179_2180delinsTT, p.Pro727Leu (NM_001145445.1); short protein forms P712L, P727L.
Identifiers: ClinVar variation 3573676 (VCV003573676.1).

ClinVar aggregate classification (germline): Uncertain significance (1 of 4 stars; one submission).

Submission:

GeneDx
Classification: Uncertain significance. Last evaluated: 2024-07-11. Review status: criteria provided, single submitter. Criteria: GeneDx Variant Classification Process June 2021. Collection method: clinical testing. Allele origin: germline. Affected: yes.
Comment: Not observed at significant frequency in large population cohorts (gnomAD); In silico analysis supports a deleterious effect on protein structure/function; Has not been previously published as pathogenic or benign to our knowledge